The following is an entry in ClinVar:

NM_001282531.3(ADNP):c.1771C>G (p.Pro591Ala)

Gene: ADNP (activity dependent neuroprotector homeobox; minus strand). Cytogenetic location: 20q13.13.
Variant type: single nucleotide variant.
Coding change: c.1771C>G on transcript NM_001282531.3 (MANE Select); coding-DNA position 1771, C replaced by G.
Protein change: p.Pro591Ala; replaces proline 591 with alanine.
Molecular consequence: missense variant.
Genome position (GRCh38, 1-based): chr20:50,892,943, G>C on the plus strand (C>G on the coding strand, the complement: ADNP is on the minus strand). VCF-style: chr20-50892943-G-C. GRCh37 (hg19) VCF-style: chr20-49509480-G-C.
Other names: c.1771C>G, p.Pro591Ala (NM_001282532.2, NM_001347511.2, NM_015339.5 and 1 more transcripts); c.1987C>G, p.Pro663Ala (NM_001439000.1); c.1087C>G, p.Pro363Ala (NM_001439001.1); short protein forms P663A, P363A, P591A.
Identifiers: ClinVar variation 4570919 (VCV004570919.2).
Genomic context (GRCh38, chr20:50,892,943, plus strand): 5'-CTTGAGGTGAACTTTTTACAGGGATATCTGCCTTTTCCTGAACCTTTGGCTGTGGCTTTG[G>C]AGGAACTGGAGGATTATTTTGGGCATGGTAAGCAACAGATTCAGCTGGGGCATCCCTCAG-3'
Protein context (NP_001269460.1, residues 581-601): YHAQNNPPVP[Pro591Ala]KPQPKVQEKA

ClinVar aggregate classification (germline): Uncertain significance. Review status: criteria provided, multiple submitters, no conflicts (2 of 4 stars). 2 submissions from 2 submitters: Uncertain significance (2). Last evaluated 2025-10-07.

Conditions:
Inborn genetic diseases. Identifiers: MedGen C0950123, MeSH D030342.

gnomAD v4.1: 7 of 1,614,068 alleles (0.00043%); highest among the groups gnomAD compares: Admixed American, 0.0017%; no homozygotes.

Submissions (2):

Ambry Genetics
Classification: Uncertain significance for Inborn genetic diseases. Last evaluated: 2025-10-07. Review status: criteria provided, single submitter. Criteria: Ambry Variant Classification Scheme 2023. Collection method: clinical testing. Allele origin: germline.

Labcorp Genetics (formerly Invitae), Labcorp
Classification: Uncertain significance. Last evaluated: 2025-08-23. Review status: criteria provided, single submitter. Criteria: Invitae Variant Classification Sherloc (09022015). Collection method: clinical testing. Allele origin: germline.
Comment: This sequence change replaces proline, which is neutral and non-polar, with alanine, which is neutral and non-polar, at codon 591 of the ADNP protein (p.Pro591Ala). This variant is not present in population databases (gnomAD no frequency). This variant has not been reported in the literature in individuals affected with ADNP-related conditions. An algorithm developed to predict the effect of missense changes on protein structure and function (PolyPhen-2) suggests that this variant is likely to be tolerated. In summary, the available evidence is currently insufficient to determine the role of this variant in disease. Therefore, it has been classified as a Variant of Uncertain Significance.